The following is an entry in ClinVar:

NM_021020.5(LZTS1):c.1436G>A (p.Arg479Gln)

Gene: LZTS1 (leucine zipper tumor suppressor 1; minus strand). Cytogenetic location: 8p21.3.
Variant type: single nucleotide variant.
Coding change: c.1436G>A on transcript NM_021020.5 (MANE Select); coding-DNA position 1436, G replaced by A.
Protein change: p.Arg479Gln; replaces arginine 479 with glutamine.
Molecular consequence: missense variant.
Genome position (GRCh38, 1-based): chr8:20,250,077, C>T on the plus strand (G>A on the coding strand, the complement: LZTS1 is on the minus strand). VCF-style: chr8-20250077-C-T. GRCh37 (hg19) VCF-style: chr8-20107588-C-T.
Other names: c.1436G>A (NM_021020.2); c.1436G>A, p.Arg479Gln (NM_001362884.2); short protein forms R479Q.
Identifiers: ClinVar variation 2726605 (VCV002726605.4), dbSNP rs1226738822, ClinGen allele CA370476138.

ClinVar aggregate classification (germline): Uncertain significance. Review status: criteria provided, multiple submitters, no conflicts (2 of 4 stars). 2 submissions from 2 submitters: Uncertain significance (2). Last evaluated 2024-09-01.

gnomAD v4.1: 31 of 1,607,184 alleles (0.0019%); highest among the groups gnomAD compares: East Asian, 0.02%; no homozygotes.

Submissions (2):

Ambry Genetics
Classification: Uncertain significance. Last evaluated: 2024-09-01. Review status: criteria provided, single submitter. Criteria: Ambry Variant Classification Scheme 2023. Collection method: clinical testing. Allele origin: germline.

Labcorp Genetics (formerly Invitae), Labcorp
Classification: Uncertain significance. Last evaluated: 2023-05-15. Review status: criteria provided, single submitter. Criteria: Invitae Variant Classification Sherloc (09022015). Collection method: clinical testing. Allele origin: germline.
Comment: This variant is present in population databases (no rsID available, gnomAD 0.009%). This sequence change replaces arginine, which is basic and polar, with glutamine, which is neutral and polar, at codon 479 of the LZTS1 protein (p.Arg479Gln). This variant has not been reported in the literature in individuals affected with LZTS1-related conditions. In summary, the available evidence is currently insufficient to determine the role of this variant in disease. Therefore, it has been classified as a Variant of Uncertain Significance. Advanced modeling of protein sequence and biophysical properties (such as structural, functional, and spatial information, amino acid conservation, physicochemical variation, residue mobility, and thermodynamic stability) performed at Invitae indicates that this missense variant is not expected to disrupt LZTS1 protein function.